The following is an entry in ClinVar:

NM_002335.4(LRP5):c.3764-3C>G

Gene: LRP5 (LDL receptor related protein 5; plus strand). Cytogenetic location: 11q13.2.
Variant type: single nucleotide variant.
Coding change: c.3764-3C>G on transcript NM_002335.4 (MANE Select); 3 bases into the intron before coding-DNA position 3764, C replaced by G.
Molecular consequence: intron variant.
Genome position (GRCh38, 1-based): chr11:68,433,599, C>G. VCF-style: chr11-68433599-C-G. GRCh37 (hg19) VCF-style: chr11-68201067-C-G.
Other names: c.2021-3C>G (NM_001291902.2).
Identifiers: ClinVar variation 1953119 (VCV001953119.6), dbSNP rs200397490, ClinGen allele CA6150108.

ClinVar aggregate classification (germline): Uncertain significance. Review status: criteria provided, multiple submitters, no conflicts (2 of 4 stars). 2 submissions from 2 submitters: Uncertain significance (2). Last evaluated 2025-06-27.

gnomAD v4.1: 37 of 1,612,432 alleles (0.0023%); highest among the groups gnomAD compares: Non-Finnish European, 0.003%; no homozygotes.

Submissions (2):

Labcorp Genetics (formerly Invitae), Labcorp
Classification: Uncertain significance. Last evaluated: 2025-06-27. Review status: criteria provided, single submitter. Criteria: Invitae Variant Classification Sherloc (09022015). Collection method: clinical testing. Allele origin: germline.
Comment: This sequence change falls in intron 17 of the LRP5 gene. It does not directly change the encoded amino acid sequence of the LRP5 protein. It affects a nucleotide within the consensus splice site. This variant is present in population databases (rs200397490, gnomAD 0.002%). This variant has not been reported in the literature in individuals affected with LRP5-related conditions. ClinVar contains an entry for this variant (Variation ID: 1953119). Variants that disrupt the consensus splice site are a relatively common cause of aberrant splicing (PMID: 17576681, 9536098). Algorithms developed to predict the effect of sequence changes on RNA splicing suggest that this variant may disrupt the consensus splice site. In summary, the available evidence is currently insufficient to determine the role of this variant in disease. Therefore, it has been classified as a Variant of Uncertain Significance.

Blueprint Genetics
Classification: Uncertain significance. Last evaluated: 2023-09-25. Review status: criteria provided, single submitter. Criteria: ACMG Guidelines, 2015. Collection method: clinical testing. Allele origin: germline.

Literature cited by the submitters: PubMed 17576681 (cited by Labcorp Genetics (formerly Invitae), Labcorp); PubMed 9536098 (cited by Labcorp Genetics (formerly Invitae), Labcorp).